The following is an entry in ClinVar:

ClinVar aggregate classification (germline): Uncertain significance (1 of 4 stars; one submission).

Conditions:
Weiss-Kruszka syndrome. Also called: Metopic ridging-ptosis-facial dysmorphism syndrome. Identifiers: Orphanet 502430, MedGen C5568107, MONDO:0032836, OMIM 618619.

gnomAD v4.1: 8 of 1,614,086 alleles (0.0005%); highest among the groups gnomAD compares: Non-Finnish European, 0.00068%; no homozygotes.

Submission:

Pittsburgh Clinical Genomics Laboratory, University of Pittsburgh Medical Center
Classification: Uncertain significance for Weiss-Kruszka syndrome. Last evaluated: 2024-02-13. Review status: criteria provided, single submitter. Criteria: ACMG Guidelines, 2015. Collection method: clinical testing. Allele origin: germline. Inheritance: Autosomal dominant inheritance. Affected: yes.
Comment: This sequence variant is a single nucleotide substitution (A>G) at position 2402 of the coding sequence of the ZNF462 gene that results in a tyrosine to cysteine amino acid change at residue 801 of the zinc finger protein 462. This variant is absent from ClinVar and has not been observed in individuals affected by a ZNF462-related disorder in the published literature, to our knowledge. This variant is present in 8 of 1614086 alleles (0.0005%) in the gnomAD v4.0.0 population dataset. Multiple bioinformatic tools predict that this amino acid change would be damaging, and the Tyr801 residue at this position is highly conserved across the vertebrate species examined. Studies examining the functional consequence of this variant have not been published, to our knowledge. There is currently insufficient evidence to determine the pathogenicity of this variant. Therefore, we consider this a variant of uncertain significance. ACMG Criteria: PM2, PP3

NM_021224.6(ZNF462):c.2402A>G (p.Tyr801Cys)

Gene: ZNF462 (zinc finger protein 462; plus strand). Cytogenetic location: 9q31.2.
Variant type: single nucleotide variant.
Coding change: c.2402A>G on transcript NM_021224.6 (MANE Select); coding-DNA position 2402, A replaced by G.
Protein change: p.Tyr801Cys; replaces tyrosine 801 with cysteine.
Molecular consequence: missense variant.
Genome position (GRCh38, 1-based): chr9:106,926,314, A>G. VCF-style: chr9-106926314-A-G. GRCh37 (hg19) VCF-style: chr9-109688595-A-G.
Other names: c.2402A>G, p.Tyr801Cys (NM_001347997.2); short protein forms Y801C.
Identifiers: ClinVar variation 3376355 (VCV003376355.1).
Genomic context (GRCh38, chr9:106,926,314, plus strand): 5'-ACAATGCCACCAATGGGGCTGAGATTGAGCTCACCCTTTCTGAAGATGAAGAGGATTATT[A>G]TGGCTCCTCAACAAACTTGAAAGATCACCAAGTTTCCAATACTGCTCTGCTGAATACCCA-3'
Protein context (NP_067047.4, residues 791-811): LTLSEDEEDY[Tyr801Cys]GSSTNLKDHQ